The following is an entry in ClinVar:

NM_004415.4(DSP):c.2194A>G (p.Asn732Asp)

Gene: DSP (desmoplakin; plus strand). Cytogenetic location: 6p24.3.
Variant type: single nucleotide variant.
Coding change: c.2194A>G on transcript NM_004415.4 (MANE Select); coding-DNA position 2194, A replaced by G.
Protein change: p.Asn732Asp; replaces asparagine 732 with aspartic acid.
Molecular consequence: missense variant.
Genome position (GRCh38, 1-based): chr6:7,574,149, A>G. VCF-style: chr6-7574149-A-G. GRCh37 (hg19) VCF-style: chr6-7574382-A-G.
Other names: c.2194A>G (NM_004415.3); c.2194A>G, p.Asn732Asp (NM_001008844.3, NM_001319034.2); short protein forms N732D.
Identifiers: ClinVar variation 928178 (VCV000928178.17), dbSNP rs746785505, ClinGen allele CA032156.

ClinVar aggregate classification (germline): Conflicting classifications of pathogenicity. Review status: criteria provided, conflicting classifications (1 of 4 stars). 5 submissions from 5 submitters: Uncertain significance (1); Likely benign (3). 1 of the submissions does not count toward it. Last evaluated 2025-12-15.

Conditions:
Cardiovascular phenotype. Identifiers: MedGen CN230736.
Arrhythmogenic cardiomyopathy with wooly hair and keratoderma. Also called: Arrhythmogenic cardiomyopathy with woolly hair and keratoderma; Carvajal syndrome; Dilated cardiomyopathy with woolly hair and keratoderma; PALMOPLANTAR KERATODERMA WITH LEFT VENTRICULAR CARDIOMYOPATHY AND WOOLLY HAIR. Identifiers: Orphanet 65282, MedGen C1854063, MONDO:0011581, OMIM 605676.
Arrhythmogenic right ventricular dysplasia 8 (ARVD8). Also called: Arrhythmogenic Right Ventricular Dysplasia/Cardiomyopathy 8; ARRHYTHMOGENIC RIGHT VENTRICULAR DYSPLASIA, FAMILIAL, 8; ARRHYTHMOGENIC RIGHT VENTRICULAR CARDIOMYOPATHY 8. Identifiers: MedGen C1843896, MONDO:0011831, OMIM 607450.
Cardiomyopathy (CMYO). Also called: Cardiomyopathies. Identifiers: Orphanet 167848, MedGen C0878544, MONDO:0004994, HP:0001638. Inheritance: Various modes of inheritance.
DSP-related disorder. Also called: DSP-related condition; DSP-related disorders.

Allele frequency attached by ClinVar (database versions not stated): gnomAD exomes 0.00003 and 0.00006; gnomAD 0.00001; ExAC 0.00006; TOPMed 0.00006.
gnomAD v4.1: 20 of 1,614,036 alleles (0.0012%); highest among the groups gnomAD compares: Admixed American, 0.033%; no homozygotes.

Submissions (5):

Labcorp Genetics (formerly Invitae), Labcorp
Classification: Likely benign for Arrhythmogenic cardiomyopathy with wooly hair and keratoderma; Arrhythmogenic right ventricular dysplasia 8. Last evaluated: 2025-12-15. Review status: criteria provided, single submitter. Criteria: Invitae Variant Classification Sherloc (09022015). Collection method: clinical testing. Allele origin: germline.

GeneDx
Classification: Uncertain significance. Last evaluated: 2025-10-13. Review status: criteria provided, single submitter. Criteria: GeneDx Variant Classification Process June 2021. Collection method: clinical testing. Allele origin: germline. Affected: yes.
Comment: Has not been previously published as pathogenic or benign to our knowledge; In silico analysis suggests that this missense variant does not alter protein structure/function

Ambry Genetics
Classification: Likely benign for Cardiovascular phenotype. Last evaluated: 2025-04-07. Review status: criteria provided, single submitter. Criteria: Ambry Variant Classification Scheme 2023. Collection method: clinical testing. Allele origin: germline.

Color Diagnostics, LLC DBA Color Health
Classification: Likely benign for Cardiomyopathy. Last evaluated: 2019-11-15. Review status: criteria provided, single submitter. Criteria: ACMG Guidelines, 2015. Collection method: clinical testing. Allele origin: germline.

PreventionGenetics, part of Exact Sciences
Classification: Uncertain significance for DSP-related condition. Last evaluated: 2024-07-08. Review status: no assertion criteria provided. Collection method: clinical testing. Allele origin: germline. Not counted in ClinVar's aggregate classification.
Comment: The DSP c.2194A>G variant is predicted to result in the amino acid substitution p.Asn732Asp. To our knowledge, this variant has not been reported in the literature. This variant is reported in 0.042% of alleles in individuals of Latino descent in gnomAD. At this time, the clinical significance of this variant is uncertain due to the absence of conclusive functional and genetic evidence.